The following is an entry in ClinVar:

NM_000747.3(CHRNB1):c.572G>A (p.Gly191Glu)

Gene: CHRNB1 (cholinergic receptor nicotinic beta 1 subunit; plus strand). Cytogenetic location: 17p13.1.
Variant type: single nucleotide variant.
Coding change: c.572G>A on transcript NM_000747.3 (MANE Select); coding-DNA position 572, G replaced by A.
Protein change: p.Gly191Glu; replaces glycine 191 with glutamic acid.
Molecular consequence: missense variant.
Genome position (GRCh38, 1-based): chr17:7,447,612, G>A. VCF-style: chr17-7447612-G-A. GRCh37 (hg19) VCF-style: chr17-7350931-G-A.
Other names: short protein forms G191E.
Identifiers: ClinVar variation 840192 (VCV000840192.6), dbSNP rs756513117, ClinGen allele CA8347816.

ClinVar aggregate classification (germline): Conflicting classifications of pathogenicity. Review status: criteria provided, conflicting classifications (1 of 4 stars). 2 submissions from 2 submitters: Uncertain significance (1); Likely benign (1). Last evaluated 2025-03-07.

Conditions:
Inborn genetic diseases. Identifiers: MedGen C0950123, MeSH D030342.
Congenital myasthenic syndrome 2A. Also called: Myasthenic syndrome, congenital, 2a, slow-channel. Identifiers: Orphanet 590, MedGen C4225374, MONDO:0014581, OMIM 616313.

Allele frequency attached by ClinVar (database versions not stated): gnomAD exomes 0.00001 and 0.00002; TOPMed 0.00001; ExAC 0.00002; gnomAD 0.00002.
gnomAD v4.1: 18 of 1,614,052 alleles (0.0011%); highest among the groups gnomAD compares: Non-Finnish European, 0.0015%; no homozygotes.

Submissions (2):

Labcorp Genetics (formerly Invitae), Labcorp
Classification: Uncertain significance for Congenital myasthenic syndrome 2A. Last evaluated: 2025-03-07. Review status: criteria provided, single submitter. Criteria: Invitae Variant Classification Sherloc (09022015). Collection method: clinical testing. Allele origin: germline.
Comment: This sequence change replaces glycine, which is neutral and non-polar, with glutamic acid, which is acidic and polar, at codon 191 of the CHRNB1 protein (p.Gly191Glu). This variant is present in population databases (rs756513117, gnomAD 0.004%). This variant has not been reported in the literature in individuals affected with CHRNB1-related conditions. ClinVar contains an entry for this variant (Variation ID: 840192). Invitae Evidence Modeling of protein sequence and biophysical properties (such as structural, functional, and spatial information, amino acid conservation, physicochemical variation, residue mobility, and thermodynamic stability) indicates that this missense variant is not expected to disrupt CHRNB1 protein function with a negative predictive value of 95%. In summary, the available evidence is currently insufficient to determine the role of this variant in disease. Therefore, it has been classified as a Variant of Uncertain Significance.

Ambry Genetics
Classification: Likely benign for Inborn genetic diseases. Last evaluated: 2024-01-04. Review status: criteria provided, single submitter. Criteria: Ambry Variant Classification Scheme 2023. Collection method: clinical testing. Allele origin: germline.